The following is an entry in ClinVar:

NM_001370259.2(MEN1):c.655-2A>C

Gene: MEN1 (menin 1; minus strand). Cytogenetic location: 11q13.1.
Variant type: single nucleotide variant.
Coding change: c.655-2A>C on transcript NM_001370259.2 (MANE Select); the canonical splice acceptor site of the intron before coding-DNA position 655, A replaced by C.
Molecular consequence: splice acceptor variant.
Genome position (GRCh38, 1-based): chr11:64,807,682, T>G on the plus strand (A>C on the coding strand, the complement: MEN1 is on the minus strand). VCF-style: chr11-64807682-T-G. GRCh37 (hg19) VCF-style: chr11-64575154-T-G.
Other names: c.670-2A>C (NM_130804.3, NM_130803.3, NM_000244.4 and 5 more transcripts); c.550-2A>C (NM_001407148.1, NM_001407149.1, NM_001407151.1 and 2 more transcripts); c.655-2A>C (NM_130799.3, NM_001407144.1, NM_001370260.2 and 7 more transcripts).
Identifiers: ClinVar variation 993504 (VCV000993504.8), dbSNP rs1941831929, ClinGen allele CA381185258.

ClinVar aggregate classification (germline): Pathogenic (1 of 4 stars; one submission).

Submission:

ARUP Laboratories, Molecular Genetics and Genomics, ARUP Laboratories
Classification: Pathogenic. Last evaluated: 2020-04-09. Review status: criteria provided, single submitter. Criteria: ARUP Molecular Germline Variant Investigation Process. Collection method: clinical testing. Allele origin: germline.
Comment: The MEN1 c.655-2A>C variant, to our knowledge, is not reported in the medical literature or gene-specific databases. This variant is also absent from general population databases (Exome Variant Server, Genome Aggregation Database), indicating it is not a common polymorphism. This variant abolishes the canonical splice acceptor site of intron 3, which is likely to disrupt gene function. In addition, other variants affecting this splice acceptor site (c.655-2A>G, c.655-1G>C, c.655-1G>T) have been reported in individuals affected with MEN1 and are considered disease-causing (Balogh 2004, Mayr 1998, Romanet 2019). Based on available information, the c.655-2A>C variant is considered to be pathogenic. References: Balogh K et al. Genetic screening methods for the detection of mutations responsible for multiple endocrine neoplasia type 1. Mol Genet Metab. 2004 Sep-Oct;83(1-2):74-81. Mayr B et al. Menin mutations in MEN1 patients. J Clin Endocrinol Metab. 1998 Aug;83(8):3004-5. Romanet P et al. UMD-MEN1 Database: An Overview of the 370 MEN1 Variants Present in 1676 Patients From the French Population. J Clin Endocrinol Metab. 2019 Mar 1;104(3):753-764.